The following is an entry in ClinVar:

ClinVar aggregate classification (germline): Pathogenic. Review status: criteria provided, multiple submitters, no conflicts (2 of 4 stars). 7 submissions from 7 submitters: Pathogenic (5). 2 of the submissions do not count toward it. Last evaluated 2024-08-22.

Conditions:
Fanconi anemia complementation group A (FANCA). Also called: FANCA-Related Fanconi Anemia; Fanconi anemia, group A. Identifiers: Orphanet 84, MedGen C3469521, MONDO:0009215, OMIM 227650.
Fanconi anemia (FA). Also called: Fanconi's anemia. Identifiers: Orphanet 84, MedGen C0015625, MeSH D005199, MONDO:0019391.

gnomAD v4.1: 4 of 1,614,150 alleles (0.00025%); highest among the groups gnomAD compares: African/African-American, 0.0013%; no homozygotes.

Submissions (7):

Natera, Inc.
Classification: Pathogenic for Fanconi anemia. Last evaluated: 2024-08-22. Review status: criteria provided, single submitter. Criteria: Natera Variant Classification Schema (03/2026). Collection method: clinical testing. Allele origin: germline.
Comment: The c.1771C>T variant in FANCA is a nonsense variant predicted to introduce a stop codon at amino acid 591. This variant is expected to result in nonsense mediated decay, truncation, or a dysfunctional protein product. This variant is rare in the general population with a frequency below the threshold expected for the associated phenotype(s). This variant has been observed in one or more individuals affected with the associated recessive disease, as either homozygous or compound heterozygous with a second variant (PMID: 21273304, 9371798). Given the available evidence, this variant is classified as Pathogenic.

Labcorp Genetics (formerly Invitae), Labcorp
Classification: Pathogenic for Fanconi anemia. Last evaluated: 2024-04-05. Review status: criteria provided, single submitter. Criteria: Invitae Variant Classification Sherloc (09022015). Collection method: clinical testing. Allele origin: germline.
Comment: This sequence change creates a premature translational stop signal (p.Arg591*) in the FANCA gene. It is expected to result in an absent or disrupted protein product. Loss-of-function variants in FANCA are known to be pathogenic (PMID: 19367192). This variant is not present in population databases (gnomAD no frequency). This premature translational stop signal has been observed in individual(s) with Fanconi anemia (PMID: 9371798, 10521298, 21273304, 22778927, 29098742). ClinVar contains an entry for this variant (Variation ID: 557990). For these reasons, this variant has been classified as Pathogenic.

CeGaT Center for Human Genetics Tuebingen
Classification: Pathogenic. Last evaluated: 2024-02-01. Review status: criteria provided, single submitter. Criteria: CeGaT Center For Human Genetics Tuebingen Variant Classification Criteria Version 2. Collection method: clinical testing. Allele origin: germline. Affected: yes. Observed: 4 variant alleles.
Comment: FANCA: PVS1, PM2, PM3:Supporting

Baylor Genetics
Classification: Pathogenic for Fanconi anemia complementation group A. Last evaluated: 2023-05-22. Review status: criteria provided, single submitter. Criteria: ACMG Guidelines, 2015. Collection method: clinical testing. Allele origin: unknown.

Molecular Diagnostics Laboratory, M Health Fairview: University of Minnesota
Classification: Pathogenic for Fanconi anemia complementation group A. Last evaluated: 2018-07-09. Review status: criteria provided, single submitter. Criteria: ACMG Guidelines, 2015. Collection method: clinical testing. Allele origin: germline. Affected: yes. Observed: 1 variant allele.

Leiden Open Variation Database
Classification: Pathogenic for Fanconi anemia complementation group A. Last evaluated: 2020-02-28. Review status: no assertion criteria provided. Collection method: curation. Allele origin: germline. Affected: yes. Not counted in ClinVar's aggregate classification.
Comment: Curator: Arleen D. Auerbach. Submitters to LOVD: Arleen D. Auerbach, Johan de Winter, Sue Richards.

Counsyl
Classification: Pathogenic for Fanconi anemia complementation group A. Last evaluated: 2018-04-23. Review status: no assertion criteria provided. Collection method: clinical testing. Allele origin: unknown. Not counted in ClinVar's aggregate classification.

Literature cited by the submitters: PubMed 21273304 (cited by 3 submitters); PubMed 9371798 (cited by Natera, Inc. and Labcorp Genetics (formerly Invitae), Labcorp); PubMed 19367192 (cited by Labcorp Genetics (formerly Invitae), Labcorp); PubMed 10521298 (cited by 3 submitters); PubMed 22778927 (cited by 3 submitters); PubMed 29098742 (cited by Labcorp Genetics (formerly Invitae), Labcorp); PubMed 15643609 (cited by Leiden Open Variation Database); PubMed 25525159 (cited by Counsyl).

NM_000135.4(FANCA):c.1771C>T (p.Arg591Ter)

Gene: FANCA (FA complementation group A; minus strand). Cytogenetic location: 16q24.3.
Variant type: single nucleotide variant.
Coding change: c.1771C>T on transcript NM_000135.4 (MANE Select); coding-DNA position 1771, C replaced by T.
Protein change: p.Arg591Ter; replaces arginine 591 with a stop codon.
Molecular consequence: nonsense.
Genome position (GRCh38, 1-based): chr16:89,778,948, G>A on the plus strand (C>T on the coding strand, the complement: FANCA is on the minus strand). VCF-style: chr16-89778948-G-A. GRCh37 (hg19) VCF-style: chr16-89845356-G-A.
Other names: c.1771C>T, p.Arg591Ter (NM_001286167.3); c.1771C>T (NM_000135.3, LRG_495t1); short protein forms R591*.
Identifiers: ClinVar variation 557990 (VCV000557990.43), dbSNP rs753980264, ClinGen allele CA397454728.